The following is an entry in ClinVar:

NM_021942.6(TRAPPC11):c.811G>T (p.Ala271Ser)

Gene: TRAPPC11 (trafficking protein particle complex subunit 11; plus strand). Cytogenetic location: 4q35.1.
Variant type: single nucleotide variant.
Coding change: c.811G>T on transcript NM_021942.6 (MANE Select); coding-DNA position 811, G replaced by T.
Protein change: p.Ala271Ser; replaces alanine 271 with serine.
Molecular consequence: missense variant.
Genome position (GRCh38, 1-based): chr4:183,677,534, G>T. VCF-style: chr4-183677534-G-T. GRCh37 (hg19) VCF-style: chr4-184598687-G-T.
Other names: c.811G>T, p.Ala271Ser (NM_199053.3); short protein forms A271S.
Identifiers: ClinVar variation 3628380 (VCV003628380.2).

ClinVar aggregate classification (germline): Uncertain significance (1 of 4 stars; one submission).

Conditions:
Autosomal recessive limb-girdle muscular dystrophy type R18 (LGMDR18). Also called: Autosomal recessive limb-girdle muscular dystrophy type 2S; Limb-girdle muscular dystrophy, type 2S; MUSCULAR DYSTROPHY, LIMB-GIRDLE, AUTOSOMAL RECESSIVE 18. Identifiers: Orphanet 369840, MedGen C4517996, MONDO:0014144, OMIM 615356.

Submission:

Labcorp Genetics (formerly Invitae), Labcorp
Classification: Uncertain significance for Autosomal recessive limb-girdle muscular dystrophy type R18. Last evaluated: 2024-06-03. Review status: criteria provided, single submitter. Criteria: Invitae Variant Classification Sherloc (09022015). Collection method: clinical testing. Allele origin: germline.
Comment: This sequence change replaces alanine, which is neutral and non-polar, with serine, which is neutral and polar, at codon 271 of the TRAPPC11 protein (p.Ala271Ser). This variant is not present in population databases (gnomAD no frequency). This variant has not been reported in the literature in individuals affected with TRAPPC11-related conditions. Advanced modeling of protein sequence and biophysical properties (such as structural, functional, and spatial information, amino acid conservation, physicochemical variation, residue mobility, and thermodynamic stability) performed at Invitae indicates that this missense variant is not expected to disrupt TRAPPC11 protein function with a negative predictive value of 80%. In summary, the available evidence is currently insufficient to determine the role of this variant in disease. Therefore, it has been classified as a Variant of Uncertain Significance.